The following is an entry in ClinVar:

NM_000535.7(PMS2):c.613C>A (p.Gln205Lys)

Gene: PMS2 (PMS1 homolog 2, mismatch repair system component; minus strand). Cytogenetic location: 7p22.1.
Variant type: single nucleotide variant.
Coding change: c.613C>A on transcript NM_000535.7 (MANE Select); coding-DNA position 613, C replaced by A.
Protein change: p.Gln205Lys; replaces glutamine 205 with lysine.
Molecular consequence: missense variant. On other transcripts: 5 prime UTR variant (2), non-coding transcript variant (1), intron variant (1).
Genome position (GRCh38, 1-based): chr7:5,999,200, G>T on the plus strand (C>A on the coding strand, the complement: PMS2 is on the minus strand). VCF-style: chr7-5999200-G-T. GRCh37 (hg19) VCF-style: chr7-6038831-G-T.
Other names: c.208C>A, p.Gln70Lys (NM_001322003.2, NM_001322004.2, NM_001322005.2 and 2 more transcripts); c.613C>A, p.Gln205Lys (NM_001322006.2, NM_001322014.2); c.295C>A, p.Gln99Lys (NM_001322007.2, NM_001322008.2); c.-321C>A (NM_001322011.2, NM_001322012.2); c.304C>A, p.Gln102Lys (NM_001322015.2); c.133-1777C>A (NM_001322013.2); short protein forms Q205K, Q99K, Q102K, Q70K.
Identifiers: ClinVar variation 630749 (VCV000630749.4), dbSNP rs758250810, ClinGen allele CA366743982.

ClinVar aggregate classification (germline): Uncertain significance. Review status: criteria provided, multiple submitters, no conflicts (2 of 4 stars). 2 submissions from 2 submitters: Uncertain significance (2). Last evaluated 2025-11-05.

Conditions:
Hereditary nonpolyposis colorectal neoplasms. Identifiers: MedGen C0009405, MeSH D003123.
Hereditary cancer-predisposing syndrome. Also called: Tumor predisposition; Neoplastic Syndromes, Hereditary; Hereditary neoplastic syndrome; Hereditary Cancer Syndrome. Identifiers: Orphanet 140162, MedGen C0027672, MeSH D009386, MONDO:0015356.

Submissions (2):

Labcorp Genetics (formerly Invitae), Labcorp
Classification: Uncertain significance for Hereditary nonpolyposis colorectal neoplasms. Last evaluated: 2025-11-05. Review status: criteria provided, single submitter. Criteria: Invitae Variant Classification Sherloc (09022015). Collection method: clinical testing. Allele origin: germline.
Comment: This sequence change replaces glutamine, which is neutral and polar, with lysine, which is basic and polar, at codon 205 of the PMS2 protein (p.Gln205Lys). This variant is not present in population databases (gnomAD no frequency). This variant has not been reported in the literature in individuals affected with PMS2-related conditions. ClinVar contains an entry for this variant (Variation ID: 630749). Invitae Evidence Modeling incorporating data from in vitro experimental studies (internal data) indicates that this missense variant is not expected to disrupt PMS2 function with a negative predictive value of 95%. In summary, the available evidence is currently insufficient to determine the role of this variant in disease. Therefore, it has been classified as a Variant of Uncertain Significance.

Color Diagnostics, LLC DBA Color Health
Classification: Uncertain significance for Hereditary cancer-predisposing syndrome. Last evaluated: 2018-11-23. Review status: criteria provided, single submitter. Criteria: ACMG Guidelines, 2015. Collection method: clinical testing. Allele origin: germline.